The following is an entry in ClinVar:

NM_031443.4(CCM2):c.683T>G (p.Phe228Cys)

Gene: CCM2 (CCM2 scaffold protein; plus strand). Cytogenetic location: 7p13.
Variant type: single nucleotide variant.
Coding change: c.683T>G on transcript NM_031443.4 (MANE Select); coding-DNA position 683, T replaced by G.
Protein change: p.Phe228Cys; replaces phenylalanine 228 with cysteine.
Molecular consequence: missense variant. On other transcripts: non-coding transcript variant (1), intron variant (1).
Genome position (GRCh38, 1-based): chr7:45,069,899, T>G. VCF-style: chr7-45069899-T-G. GRCh37 (hg19) VCF-style: chr7-45109498-T-G.
Other names: c.746T>G, p.Phe249Cys (NM_001029835.2); c.509T>G, p.Phe170Cys (NM_001167934.2, NM_001363459.2); c.683T>G, p.Phe228Cys (NM_001363458.2); c.473-2827T>G (NM_001167935.2); short protein forms F170C, F228C, F249C.
Identifiers: ClinVar variation 4279905 (VCV004279905.1).
Genomic context (GRCh38, chr7:45,069,899, plus strand): 5'-AGCTTTGCTGTCTGCTAGGCCAGGTCTTCCAGGTTGTTTACACGGAGTCCACCATCGACT[T>G]TCTGGACAGAGCGATATTTGATGGGGCCTCTACCCCGACCCACCACCTGTCCCTGCACAG-3'
Protein context (NP_113631.1, residues 218-238): QVVYTESTID[Phe228Cys]LDRAIFDGAS

ClinVar aggregate classification (germline): Uncertain significance (1 of 4 stars; one submission).

Conditions:
Cerebral cavernous malformation 2. Also called: Familial Cerebral Cavernous Malformation 2. Identifiers: Orphanet 221061, MedGen C1864041, MONDO:0011304, OMIM 603284.

gnomAD v4.1: 1 of 1,614,180 alleles (0.000062%); highest among the groups gnomAD compares: Non-Finnish European, 0.000085%; no homozygotes.

Submission:

Clinical Genomics Laboratory, Washington University in St. Louis
Classification: Uncertain significance for Cerebral cavernous malformation 2. Last evaluated: 2025-01-06. Review status: criteria provided, single submitter. Criteria: ACMG Guidelines, 2015. Collection method: clinical testing. Allele origin: germline.
Comment: A CCM2 c.683T>G (p.Phe228Cys) variant was identified at a near heterozygous allelic fraction of 48.9%, a frequency that may be consistent with germline origin. To our knowledge, this variant has not been reported in the medical literature or the ClinVar database. This variant is only observed on 1/1,614,180 alleles in the general population (gnomAD v.4.1.0), indicating it is not a common variant. Computational predictors suggest that the variant does not impact CCM2 function. Due to limited information, and based on the ACMG/AMP guidelines for variant interpretation (Richards S et al., PMID: 25741868), the clinical significance of this CCM2 c.683T>G (p.Phe228Cys) variant is uncertain at this time.